The following is an entry in ClinVar:

NM_021930.6(RINT1):c.1291G>A (p.Glu431Lys)

Gene: RINT1 (RAD50 interactor 1; plus strand). Cytogenetic location: 7q22.3.
Variant type: single nucleotide variant.
Coding change: c.1291G>A on transcript NM_021930.6 (MANE Select); coding-DNA position 1291, G replaced by A.
Protein change: p.Glu431Lys; replaces glutamic acid 431 with lysine.
Molecular consequence: missense variant. On other transcripts: non-coding transcript variant (1).
Genome position (GRCh38, 1-based): chr7:105,550,444, G>A. VCF-style: chr7-105550444-G-A. GRCh37 (hg19) VCF-style: chr7-105190891-G-A.
Other names: c.1291G>A (NM_021930.4); c.1057G>A, p.Glu353Lys (NM_001346599.2); c.268G>A, p.Glu90Lys (NM_001346600.2, NM_001346603.2); c.367G>A, p.Glu123Lys (NM_001346601.2); short protein forms E123K, E353K, E431K, E90K.
Identifiers: ClinVar variation 1058863 (VCV001058863.10), dbSNP rs746091747, ClinGen allele CA4426636.

ClinVar aggregate classification (germline): Uncertain significance. Review status: criteria provided, multiple submitters, no conflicts (2 of 4 stars). 2 submissions from 2 submitters: Uncertain significance (2). Last evaluated 2025-08-25.

Allele frequency attached by ClinVar (database versions not stated): gnomAD 0.00001.
gnomAD v4.1: 2 of 1,614,116 alleles (0.00012%); highest among the groups gnomAD compares: Middle Eastern, 0.016%; no homozygotes.

Submissions (2):

Ambry Genetics
Classification: Uncertain significance. Last evaluated: 2025-08-25. Review status: criteria provided, single submitter. Criteria: Ambry Variant Classification Scheme 2023. Collection method: clinical testing. Allele origin: germline.
Comment: The p.E431K variant (also known as c.1291G>A), located in coding exon 9 of the RINT1 gene, results from a G to A substitution at nucleotide position 1291. The glutamic acid at codon 431 is replaced by lysine, an amino acid with similar properties. This amino acid position is conserved. In addition, the in silico prediction for this alteration is inconclusive. Based on the available evidence, the clinical significance of this variant remains unclear.

Labcorp Genetics (formerly Invitae), Labcorp
Classification: Uncertain significance. Last evaluated: 2017-09-03. Review status: criteria provided, single submitter. Criteria: Invitae Variant Classification Sherloc (09022015). Collection method: clinical testing. Allele origin: germline.
Comment: This sequence change replaces glutamic acid with lysine at codon 431 of the RINT1 protein (p.Glu431Lys). The glutamic acid residue is highly conserved and there is a small physicochemical difference between glutamic acid and lysine. This variant is present in population databases (rs746091747, ExAC 0.001%). This variant has not been reported in the literature in individuals with RINT1-related disease. Algorithms developed to predict the effect of missense changes on protein structure and function do not agree on the potential impact of this missense change (SIFT: "Deleterious"; PolyPhen-2: "Possibly Damaging"; Align-GVGD: "Class C0"). In summary, the available evidence is currently insufficient to determine the role of this variant in disease. Therefore, it has been classified as a Variant of Uncertain Significance.